The following is an entry in ClinVar:

NM_001394998.1(TANC2):c.5527C>T (p.Pro1843Ser)

Gene: TANC2 (tetratricopeptide repeat, ankyrin repeat and coiled-coil containing 2; plus strand). Cytogenetic location: 17q23.3.
Variant type: single nucleotide variant.
Coding change: c.5527C>T on transcript NM_001394998.1 (MANE Select); coding-DNA position 5527, C replaced by T.
Protein change: p.Pro1843Ser; replaces proline 1843 with serine.
Molecular consequence: missense variant.
Genome position (GRCh38, 1-based): chr17:63,421,257, C>T. VCF-style: chr17-63421257-C-T. GRCh37 (hg19) VCF-style: chr17-61498618-C-T.
Other names: c.5305C>T, p.Pro1769Ser (NM_001411076.1); c.5275C>T, p.Pro1759Ser (NM_025185.4); short protein forms P1759S, P1769S, P1843S.
Identifiers: ClinVar variation 3900158 (VCV003900158.1).

ClinVar aggregate classification (germline): Uncertain significance (1 of 4 stars; one submission).

gnomAD v4.1: 2 of 1,614,012 alleles (0.00012%); highest among the groups gnomAD compares: Non-Finnish European, 0.00017%; no homozygotes.

Submission:

GeneDx
Classification: Uncertain significance. Last evaluated: 2024-11-24. Review status: criteria provided, single submitter. Criteria: GeneDx Variant Classification Process June 2021. Collection method: clinical testing. Allele origin: germline. Affected: yes.
Comment: Not observed at significant frequency in large population cohorts (gnomAD); In silico analysis indicates that this missense variant does not alter protein structure/function; Has not been previously published as pathogenic or benign to our knowledge